The following is an entry in ClinVar:

NM_004560.4(ROR2):c.457C>T (p.Arg153Trp)

Gene: ROR2 (receptor tyrosine kinase like orphan receptor 2; minus strand). Cytogenetic location: 9q22.31.
Variant type: single nucleotide variant.
Coding change: c.457C>T on transcript NM_004560.4 (MANE Select); coding-DNA position 457, C replaced by T.
Protein change: p.Arg153Trp; replaces arginine 153 with tryptophan.
Molecular consequence: missense variant.
Genome position (GRCh38, 1-based): chr9:91,757,278, G>A on the plus strand (C>T on the coding strand, the complement: ROR2 is on the minus strand). VCF-style: chr9-91757278-G-A. GRCh37 (hg19) VCF-style: chr9-94519560-G-A.
Other names: c.457C>T (NM_004560.3); c.457C>T, p.Arg153Trp (NM_001318204.2); short protein forms R153W.
Identifiers: ClinVar variation 1485199 (VCV001485199.10), dbSNP rs745695427, ClinGen allele CA5121036.

ClinVar aggregate classification (germline): Uncertain significance. Review status: criteria provided, multiple submitters, no conflicts (2 of 4 stars). 3 submissions from 3 submitters: Uncertain significance (3). Last evaluated 2024-03-02.

Conditions:
Inborn genetic diseases. Identifiers: MedGen C0950123, MeSH D030342.
Brachydactyly type B1 (BDB1). Identifiers: Orphanet 572385, Orphanet 93383, MedGen C1862112, MONDO:0007220, OMIM 113000.
Autosomal recessive Robinow syndrome (RRS1). Also called: COSTOVERTEBRAL SEGMENTATION DEFECT WITH MESOMELIA; COVESDEM SYNDROME; ROR2-Related Robinow Syndrome; ROBINOW SYNDROME, AUTOSOMAL RECESSIVE 1. Identifiers: Orphanet 1507, Orphanet 97360, MedGen C5399974, MONDO:0009999, OMIM 268310.

Allele frequency attached by ClinVar (database versions not stated): gnomAD 0.00001; ExAC 0.00002; gnomAD exomes 0.00002; TOPMed 0.00003.
gnomAD v4.1: 52 of 1,613,702 alleles (0.0032%); highest among the groups gnomAD compares: Non-Finnish European, 0.004%; no homozygotes.

Submissions (3):

Fulgent Genetics
Classification: Uncertain significance for Brachydactyly type B1; Autosomal recessive Robinow syndrome. Last evaluated: 2024-03-02. Review status: criteria provided, single submitter. Criteria: ACMG Guidelines, 2015. Collection method: clinical testing. Allele origin: germline.

Ambry Genetics
Classification: Uncertain significance for Inborn genetic diseases. Last evaluated: 2023-03-01. Review status: criteria provided, single submitter. Criteria: Ambry Variant Classification Scheme 2023. Collection method: clinical testing. Allele origin: germline.

Labcorp Genetics (formerly Invitae), Labcorp
Classification: Uncertain significance. Last evaluated: 2022-04-09. Review status: criteria provided, single submitter. Criteria: Invitae Variant Classification Sherloc (09022015). Collection method: clinical testing. Allele origin: germline.
Comment: In summary, the available evidence is currently insufficient to determine the role of this variant in disease. Therefore, it has been classified as a Variant of Uncertain Significance. Advanced modeling of protein sequence and biophysical properties (such as structural, functional, and spatial information, amino acid conservation, physicochemical variation, residue mobility, and thermodynamic stability) performed at Invitae indicates that this missense variant is not expected to disrupt ROR2 protein function. This variant has not been reported in the literature in individuals affected with ROR2-related conditions. This variant is present in population databases (rs745695427, gnomAD 0.004%). This sequence change replaces arginine, which is basic and polar, with tryptophan, which is neutral and slightly polar, at codon 153 of the ROR2 protein (p.Arg153Trp).